The following is an entry in ClinVar:

NM_003221.4(TFAP2B):c.1304A>C (p.Asn435Thr)

Gene: TFAP2B (transcription factor AP-2 beta; plus strand). Cytogenetic location: 6p12.3.
Variant type: single nucleotide variant.
Coding change: c.1304A>C on transcript NM_003221.4 (MANE Select); coding-DNA position 1304, A replaced by C.
Protein change: p.Asn435Thr; replaces asparagine 435 with threonine.
Molecular consequence: missense variant.
Genome position (GRCh38, 1-based): chr6:50,843,313, A>C. VCF-style: chr6-50843313-A-C. GRCh37 (hg19) VCF-style: chr6-50811026-A-C.
Other names: short protein forms N435T.
Identifiers: ClinVar variation 357286 (VCV000357286.15), dbSNP rs115226995, ClinGen allele CA3850563.

ClinVar aggregate classification (germline): Conflicting classifications of pathogenicity. Review status: criteria provided, conflicting classifications (1 of 4 stars). 4 submissions from 4 submitters: Uncertain significance (1); Likely benign (2). 1 of the submissions does not count toward it. Last evaluated 2025-09-19.

Conditions:
TFAP2B-related disorder. Also called: TFAP2B-related condition.
Inborn genetic diseases. Identifiers: MedGen C0950123, MeSH D030342.

Allele frequency attached by ClinVar (database versions not stated): 1000 Genomes Project 0.00060; ExAC 0.00066; gnomAD exomes 0.00070 and 0.00118; gnomAD 0.00077 and 0.00078; 1000 Genomes Project 30x 0.00078; TOPMed 0.00080; ESP Exome Variant Server 0.00115.
gnomAD v4.1: 1,826 of 1,614,208 alleles (0.11%); highest among the groups gnomAD compares: Non-Finnish European, 0.14%; 2 homozygotes.

Submissions (4):

Labcorp Genetics (formerly Invitae), Labcorp
Classification: Likely benign. Last evaluated: 2025-09-19. Review status: criteria provided, single submitter. Criteria: Invitae Variant Classification Sherloc (09022015). Collection method: clinical testing. Allele origin: germline.

Ambry Genetics
Classification: Uncertain significance for Inborn genetic diseases. Last evaluated: 2022-05-04. Review status: criteria provided, single submitter. Criteria: Ambry Variant Classification Scheme 2023. Collection method: clinical testing. Allele origin: germline.

Breakthrough Genomics
Classification: Likely benign. Review status: criteria provided, single submitter. Criteria: ACMG Guidelines, 2015. Collection method: not provided. Allele origin: germline. Inheritance: Autosomal dominant inheritance. Affected: yes.

PreventionGenetics, part of Exact Sciences
Classification: Likely benign for TFAP2B-related condition. Last evaluated: 2022-11-08. Review status: no assertion criteria provided. Collection method: clinical testing. Allele origin: germline. Not counted in ClinVar's aggregate classification.
Comment: This variant is classified as likely benign based on ACMG/AMP sequence variant interpretation guidelines (Richards et al. 2015 PMID: 25741868, with internal and published modifications).